The following is an entry in ClinVar:

ClinVar aggregate classification (germline): Uncertain significance. Review status: criteria provided, multiple submitters, no conflicts (2 of 4 stars). 2 submissions from 2 submitters: Uncertain significance (2). Last evaluated 2026-01-07.

Conditions:
Granulocytopenia with immunoglobulin abnormality. Identifiers: MedGen C1856263, MONDO:0009305, OMIM 233600.

Submissions (2):

Labcorp Genetics (formerly Invitae), Labcorp
Classification: Uncertain significance. Last evaluated: 2026-01-07. Review status: criteria provided, single submitter. Criteria: Invitae Variant Classification Sherloc (09022015). Collection method: clinical testing. Allele origin: germline.
Comment: This sequence change replaces serine, which is neutral and polar, with threonine, which is neutral and polar, at codon 461 of the HYOU1 protein (p.Ser461Thr). This variant is present in population databases (rs782622798, gnomAD 0.01%). This variant has not been reported in the literature in individuals affected with HYOU1-related conditions. ClinVar contains an entry for this variant (Variation ID: 1675088). Experimental studies and prediction algorithms are not available or were not evaluated, and the functional significance of this variant is currently unknown. In summary, the available evidence is currently insufficient to determine the role of this variant in disease. Therefore, it has been classified as a Variant of Uncertain Significance.

Center for Genomics, Ann and Robert H. Lurie Children's Hospital of Chicago
Classification: Uncertain significance for Granulocytopenia with immunoglobulin abnormality. Last evaluated: 2021-03-15. Review status: criteria provided, single submitter. Criteria: ACMG Guidelines, 2015. Collection method: clinical testing. Allele origin: germline.
Comment: HYOU1 NM_006389.4 exon 13 p.Ser461Thr (c.1382G>C): This variant has not been reported in the literature but is present in 0.01% (5/34580) of Latino alleles in the Genome Aggregation Database. This variant amino acid Threonine (Thr) is present in several fish species and is not well conserved among evolutionarily distant species; this suggests that this variant may not impact the protein. Additional computational prediction tools do not suggest an impact. In summary, data on this variant is insufficient for disease classification. Therefore, the clinical significance of this variant is uncertain.

NM_006389.5(HYOU1):c.1382G>C (p.Ser461Thr)

Gene: HYOU1 (hypoxia up-regulated 1; minus strand). Cytogenetic location: 11q23.3.
Variant type: single nucleotide variant.
Coding change: c.1382G>C on transcript NM_006389.5 (MANE Select); coding-DNA position 1382, G replaced by C.
Protein change: p.Ser461Thr; replaces serine 461 with threonine.
Molecular consequence: missense variant.
Genome position (GRCh38, 1-based): chr11:119,051,582, C>G on the plus strand (G>C on the coding strand, the complement: HYOU1 is on the minus strand). VCF-style: chr11-119051582-C-G. GRCh37 (hg19) VCF-style: chr11-118922294-C-G.
Other names: c.1382G>C, p.Ser461Thr (NM_001130991.3); short protein forms S461T.
Identifiers: ClinVar variation 1675088 (VCV001675088.2), dbSNP rs782622798, ClinGen allele CA229621985.